The following is an entry in ClinVar:

NM_144687.4(NLRP12):c.949A>C (p.Lys317Gln)

Gene: NLRP12 (NLR family pyrin domain containing 12; minus strand). Cytogenetic location: 19q13.42.
Variant type: single nucleotide variant.
Coding change: c.949A>C on transcript NM_144687.4 (MANE Select); coding-DNA position 949, A replaced by C.
Protein change: p.Lys317Gln; replaces lysine 317 with glutamine.
Molecular consequence: missense variant.
Genome position (GRCh38, 1-based): chr19:53,810,710, T>G on the plus strand (A>C on the coding strand, the complement: NLRP12 is on the minus strand). VCF-style: chr19-53810710-T-G. GRCh37 (hg19) VCF-style: chr19-54313964-T-G.
Other names: c.949A>C, p.Lys317Gln (NM_001277126.2, NM_001277129.1); short protein forms K317Q.
Identifiers: ClinVar variation 1389298 (VCV001389298.6), dbSNP rs2122674313, ClinGen allele CA407415442.
Genomic context (GRCh38, chr19:53,810,710, plus strand): 5'-ATAGCTCAGGGAGCAGCTTCTTCCGAATTAAGCTGTTAAGAAGCAGCTCCGTGGGCCGTT[T>G]CTCCTCCCAGCAGAGGCACCAGGGTCCCTGAGGATCGTGGAAAGAAGGCTTGAGCTCATC-3'
Protein context (NP_653288.1, residues 307-327): QGPWCLCWEE[Lys317Gln]RPTELLLNSL

ClinVar aggregate classification (germline): Uncertain significance (1 of 4 stars; one submission).

Conditions:
Familial cold autoinflammatory syndrome 2 (FCAS2). Identifiers: Orphanet 247868, MedGen C2673198, MONDO:0012724, OMIM 611762.

Submission:

Labcorp Genetics (formerly Invitae), Labcorp
Classification: Uncertain significance for Familial cold autoinflammatory syndrome 2. Last evaluated: 2022-03-18. Review status: criteria provided, single submitter. Criteria: Invitae Variant Classification Sherloc (09022015). Collection method: clinical testing. Allele origin: germline.
Comment: Algorithms developed to predict the effect of missense changes on protein structure and function are either unavailable or do not agree on the potential impact of this missense change (SIFT: "Deleterious"; PolyPhen-2: "Benign"; Align-GVGD: "Class C0"). This sequence change replaces lysine, which is basic and polar, with glutamine, which is neutral and polar, at codon 317 of the NLRP12 protein (p.Lys317Gln). This variant is not present in population databases (gnomAD no frequency). This variant has not been reported in the literature in individuals affected with NLRP12-related conditions. In summary, the available evidence is currently insufficient to determine the role of this variant in disease. Therefore, it has been classified as a Variant of Uncertain Significance.